The following is an entry in ClinVar:

ClinVar aggregate classification (germline): Pathogenic (1 of 4 stars; one submission).

Allele frequency attached by ClinVar (database versions not stated): gnomAD 0.00001; TOPMed below 0.00001.
gnomAD v4.1: 1 of 1,613,820 alleles (0.000062%); highest among the groups gnomAD compares: Admixed American, 0.0017%; no homozygotes.

Submission:

Labcorp Genetics (formerly Invitae), Labcorp
Classification: Pathogenic. Last evaluated: 2026-01-28. Review status: criteria provided, single submitter. Criteria: Invitae Variant Classification Sherloc (09022015). Collection method: clinical testing. Allele origin: germline.
Comment: This sequence change creates a premature translational stop signal (p.Trp1146*) in the ATP8B1 gene. It is expected to result in an absent or disrupted protein product. Loss-of-function variants in ATP8B1 are known to be pathogenic (PMID: 15239083, 22525741). This variant is not present in population databases (gnomAD no frequency). This variant has not been reported in the literature in individuals affected with ATP8B1-related conditions. ClinVar contains an entry for this variant (Variation ID: 2780781). For these reasons, this variant has been classified as Pathogenic.

Literature cited by the submitters: PubMed 15239083; PubMed 22525741.

NM_001374385.1(ATP8B1):c.3438G>A (p.Trp1146Ter)

Genes: ATP8B1 (ATPase phospholipid transporting 8B1; minus strand), ATP8B1-AS1 (ATP8B1 antisense RNA 1; plus strand). Cytogenetic location: 18q21.31.
Variant type: single nucleotide variant.
Coding change: c.3438G>A on transcript NM_001374385.1 (MANE Select); coding-DNA position 3438, G replaced by A.
Protein change: p.Trp1146Ter; replaces tryptophan 1146 with a stop codon.
Molecular consequence: nonsense.
Genome position (GRCh38, 1-based): chr18:57,650,460, C>T on the plus strand (G>A on the coding strand, the complement: ATP8B1 is on the minus strand). VCF-style: chr18-57650460-C-T. GRCh37 (hg19) VCF-style: chr18-55317692-C-T.
Other names: c.3288G>A, p.Trp1096Ter (NM_001374386.1); c.3438G>A, p.Trp1146Ter (NM_005603.6); short protein forms W1146*, W1096*.
Identifiers: ClinVar variation 2780781 (VCV002780781.3), dbSNP rs1909531869, ClinGen allele CA402541669.